The following is an entry in ClinVar:

ClinVar aggregate classification (germline): Pathogenic (1 of 4 stars; one submission).

Conditions:
Hypohidrotic X-linked ectodermal dysplasia (XHED). Also called: ECTODERMAL DYSPLASIA, HYPOHIDROTIC, 1; CST SYNDROME; ECTODERMAL DYSPLASIA 1; Ectodermal Dysplasia 1, Anhidrotic; Christ-Siemans-Touraine syndrome; Anhidrotic ectodermal dysplasia X-linked. Identifiers: Orphanet 181, Orphanet 238468, MedGen C0162359, MONDO:0010585, OMIM 305100.

Submission:

Labcorp Genetics (formerly Invitae), Labcorp
Classification: Pathogenic for Hypohidrotic X-linked ectodermal dysplasia. Last evaluated: 2024-05-29. Review status: criteria provided, single submitter. Criteria: Invitae Variant Classification Sherloc (09022015). Collection method: clinical testing. Allele origin: germline.
Comment: This sequence change creates a premature translational stop signal (p.Pro228Thrfs*6) in the EDA gene. It is expected to result in an absent or disrupted protein product. Loss-of-function variants in EDA are known to be pathogenic (PMID: 9683615). This variant is not present in population databases (gnomAD no frequency). This variant has not been reported in the literature in individuals affected with EDA-related conditions. ClinVar contains an entry for this variant (Variation ID: 528354). For these reasons, this variant has been classified as Pathogenic.

Literature cited by the submitters: PubMed 9683615.

NM_001399.5(EDA):c.681_697del (p.Pro228fs)

Gene: EDA (ectodysplasin A; plus strand). Cytogenetic location: Xq13.1.
Variant type: Deletion.
Coding change: c.681_697del on transcript NM_001399.5 (MANE Select); coding-DNA positions 681 to 697, 17 bases deleted (ACCCCCTGGCCTCCAGG).
Protein change: p.Pro228fs; shifts the reading frame from proline 228.
Molecular consequence: frameshift variant.
Genome position (GRCh38, 1-based): chrX:70,028,011-70,028,027, ACCCCCTGGCCTCCAGG deleted; deleting any 17 consecutive bases within chrX:70,028,008-70,028,027 gives the same sequence; the c. name uses the placement nearest the transcript's 3' end. VCF-style (leftmost placement, unchanged base first): chrX-70028007-AAGGACCCCCTGGCCTCC-A. GRCh37 (hg19) VCF-style: chrX-69247857-AAGGACCCCCTGGCCTCC-A.
Other names: c.681_697del, p.Pro228fs (NM_001005609.2, NM_001005612.3); short protein forms P228fs.
Identifiers: ClinVar variation 528354 (VCV000528354.6), dbSNP rs1556098978, ClinGen allele CA658799777.